The following is an entry in ClinVar:

NM_001127178.3(PIGG):c.682A>G (p.Asn228Asp)

Gene: PIGG (phosphatidylinositol glycan anchor biosynthesis class G (EMM blood group); plus strand). Cytogenetic location: 4p16.3.
Variant type: single nucleotide variant.
Coding change: c.682A>G on transcript NM_001127178.3 (MANE Select); coding-DNA position 682, A replaced by G.
Protein change: p.Asn228Asp; replaces asparagine 228 with aspartic acid.
Molecular consequence: missense variant. On other transcripts: 5 prime UTR variant (4), non-coding transcript variant (10), intron variant (1).
Genome position (GRCh38, 1-based): chr4:507,516, A>G. VCF-style: chr4-507516-A-G. GRCh37 (hg19) VCF-style: chr4-501305-A-G.
Other names: c.415A>G, p.Asn139Asp (NM_001289051.2, NM_001289053.2, NM_001289057.2 and 2 more transcripts); c.316A>G, p.Asn106Asp (NM_001289055.2); c.-206A>G (NM_001345988.2); c.682A>G, p.Asn228Asp (NM_001345989.2, NM_017733.5); c.-944A>G (NM_001345990.2); c.-806A>G (NM_001345991.2); c.-531A>G (NM_001345994.2); c.361-1313A>G (NM_001289052.2); short protein forms N106D, N139D, N228D.
Identifiers: ClinVar variation 4072654 (VCV004072654.1).

ClinVar aggregate classification (germline): Uncertain significance (1 of 4 stars; one submission).

gnomAD v4.1: 2 of 1,614,194 alleles (0.00012%); no homozygotes.

Submission:

GeneDx
Classification: Uncertain significance. Last evaluated: 2025-01-31. Review status: criteria provided, single submitter. Criteria: GeneDx Variant Classification Process June 2021. Collection method: clinical testing. Allele origin: germline. Affected: yes.
Comment: Not observed at significant frequency in large population cohorts (gnomAD); In silico analysis indicates that this missense variant does not alter protein structure/function; Has not been previously published as pathogenic or benign to our knowledge